The following is an entry in ClinVar:

ClinVar aggregate classification (germline): Uncertain significance (1 of 4 stars; one submission).

Conditions:
Catecholaminergic polymorphic ventricular tachycardia 1. Also called: VENTRICULAR TACHYCARDIA, CATECHOLAMINERGIC POLYMORPHIC, 1, WITH OR WITHOUT ATRIAL DYSFUNCTION AND/OR DILATED CARDIOMYOPATHY; VENTRICULAR TACHYCARDIA, STRESS-INDUCED POLYMORPHIC 1; RYR2-Related Catecholaminergic Polymorphic Ventricular Tachycardia. Identifiers: Orphanet 3286, MedGen C1631597, MONDO:0011484, OMIM 604772.

Submission:

Labcorp Genetics (formerly Invitae), Labcorp
Classification: Uncertain significance for Catecholaminergic polymorphic ventricular tachycardia 1. Last evaluated: 2023-01-24. Review status: criteria provided, single submitter. Criteria: Invitae Variant Classification Sherloc (09022015). Collection method: clinical testing. Allele origin: germline.
Comment: In summary, the available evidence is currently insufficient to determine the role of this variant in disease. Therefore, it has been classified as a Variant of Uncertain Significance. Advanced modeling of protein sequence and biophysical properties (such as structural, functional, and spatial information, amino acid conservation, physicochemical variation, residue mobility, and thermodynamic stability) performed at Invitae indicates that this missense variant is not expected to disrupt RYR2 protein function. ClinVar contains an entry for this variant (Variation ID: 850497). This variant has not been reported in the literature in individuals affected with RYR2-related conditions. This variant is not present in population databases (gnomAD no frequency). This sequence change replaces aspartic acid, which is acidic and polar, with asparagine, which is neutral and polar, at codon 3025 of the RYR2 protein (p.Asp3025Asn).

NM_001035.3(RYR2):c.9073G>A (p.Asp3025Asn)

Gene: RYR2 (ryanodine receptor 2; plus strand). Cytogenetic location: 1q43.
Variant type: single nucleotide variant.
Coding change: c.9073G>A on transcript NM_001035.3 (MANE Select); coding-DNA position 9073, G replaced by A.
Protein change: p.Asp3025Asn; replaces aspartic acid 3025 with asparagine.
Molecular consequence: missense variant.
Genome position (GRCh38, 1-based): chr1:237,698,970, G>A. VCF-style: chr1-237698970-G-A. GRCh37 (hg19) VCF-style: chr1-237862270-G-A.
Other names: short protein forms D3025N.
Identifiers: ClinVar variation 850497 (VCV000850497.49), dbSNP rs1687730026, ClinGen allele CA345406485.